The following is an entry in ClinVar:

ClinVar aggregate classification (germline): Uncertain significance (1 of 4 stars; one submission).

gnomAD v4.1: 6 of 1,208,842 alleles (0.0005%); highest among the groups gnomAD compares: Middle Eastern, 0.023%; no homozygotes.

Submission:

CeGaT Center for Human Genetics Tuebingen
Classification: Uncertain significance. Last evaluated: 2026-02-01. Review status: criteria provided, single submitter. Criteria: CeGaT Center For Human Genetics Tuebingen Variant Classification Criteria Version 2. Collection method: clinical testing. Allele origin: germline. Affected: yes. Observed: 1 variant allele.
Comment: NEXMIF: PM2, BP4

NM_001008537.3(NEXMIF):c.188G>T (p.Gly63Val)

Gene: NEXMIF (neurite extension and migration factor; minus strand). Cytogenetic location: Xq13.3.
Variant type: single nucleotide variant.
Coding change: c.188G>T on transcript NM_001008537.3 (MANE Select); coding-DNA position 188, G replaced by T.
Protein change: p.Gly63Val; replaces glycine 63 with valine.
Molecular consequence: missense variant.
Genome position (GRCh38, 1-based): chrX:74,744,369, C>A on the plus strand (G>T on the coding strand, the complement: NEXMIF is on the minus strand). VCF-style: chrX-74744369-C-A. GRCh37 (hg19) VCF-style: chrX-73964204-C-A.
Other names: short protein forms G63V.
Identifiers: ClinVar variation 4874426 (VCV004874426.2).